The following is an entry in ClinVar:

NM_199420.4(POLQ):c.7039C>A (p.Arg2347Ser)

Gene: POLQ (DNA polymerase theta; minus strand). Cytogenetic location: 3q13.33.
Variant type: single nucleotide variant.
Coding change: c.7039C>A on transcript NM_199420.4 (MANE Select); coding-DNA position 7039, C replaced by A.
Protein change: p.Arg2347Ser; replaces arginine 2347 with serine.
Molecular consequence: missense variant.
Genome position (GRCh38, 1-based): chr3:121,460,163, G>T on the plus strand (C>A on the coding strand, the complement: POLQ is on the minus strand). VCF-style: chr3-121460163-G-T. GRCh37 (hg19) VCF-style: chr3-121179010-G-T.
Other names: short protein forms R2347S.
Identifiers: ClinVar variation 1756812 (VCV001756812.2), dbSNP rs376597667, ClinGen allele CA354107413.

ClinVar aggregate classification (germline): Uncertain significance (1 of 4 stars; one submission).

Submission:

Ambry Genetics
Classification: Uncertain significance. Last evaluated: 2021-12-29. Review status: criteria provided, single submitter. Criteria: Ambry Variant Classification Scheme 2023. Collection method: clinical testing. Allele origin: germline.
Comment: The p.R2347S variant (also known as c.7039C>A), located in coding exon 25 of the POLQ gene, results from a C to A substitution at nucleotide position 7039. The arginine at codon 2347 is replaced by serine, an amino acid with dissimilar properties. This amino acid position is conserved. In addition, the in silico prediction for this alteration is inconclusive. Since supporting evidence is limited at this time, the clinical significance of this alteration remains unclear.